The following is an entry in ClinVar:

NM_001372.4(DNAH9):c.12074A>G (p.Asn4025Ser)

Gene: DNAH9 (dynein axonemal heavy chain 9; plus strand). Cytogenetic location: 17p12.
Variant type: single nucleotide variant.
Coding change: c.12074A>G on transcript NM_001372.4 (MANE Select); coding-DNA position 12074, A replaced by G.
Protein change: p.Asn4025Ser; replaces asparagine 4025 with serine.
Molecular consequence: missense variant.
Genome position (GRCh38, 1-based): chr17:11,930,062, A>G. VCF-style: chr17-11930062-A-G. GRCh37 (hg19) VCF-style: chr17-11833379-A-G.
Other names: c.1010A>G, p.Asn337Ser (NM_004662.2); c.12074A>G (NM_001372.3); short protein forms N337S, N4025S.
Identifiers: ClinVar variation 1478817 (VCV001478817.5), dbSNP rs772352224, ClinGen allele CA8398034.
Genomic context (GRCh38, chr17:11,930,062, plus strand): 5'-AGGGCATCCTGGAGAACTCCATTAAGATCACCAATGAGCCCCCCACGGGCATGCATGCCA[A>G]CCTGCACAAGGCCCTGGACAACTTCACTCAGGTACGGCCCCGGGAGGGAGGCAAAAACAG-3'
Protein context (NP_001363.2, residues 4015-4035): TNEPPTGMHA[Asn4025Ser]LHKALDNFTQ

ClinVar aggregate classification (germline): Uncertain significance. Review status: criteria provided, multiple submitters, no conflicts (2 of 4 stars). 2 submissions from 2 submitters: Uncertain significance (2). Last evaluated 2024-04-04.

Conditions:
Inborn genetic diseases. Identifiers: MedGen C0950123, MeSH D030342.

Allele frequency attached by ClinVar (database versions not stated): gnomAD exomes 0.00001 and 0.00002; ExAC 0.00002; gnomAD 0.00005 and 0.00006; TOPMed 0.00008.
gnomAD v4.1: 23 of 1,614,018 alleles (0.0014%); highest among the groups gnomAD compares: African/African-American, 0.02%; no homozygotes.

Submissions (2):

Ambry Genetics
Classification: Uncertain significance for Inborn genetic diseases. Last evaluated: 2024-04-04. Review status: criteria provided, single submitter. Criteria: Ambry Variant Classification Scheme 2023. Collection method: clinical testing. Allele origin: germline.

Labcorp Genetics (formerly Invitae), Labcorp
Classification: Uncertain significance. Last evaluated: 2022-08-31. Review status: criteria provided, single submitter. Criteria: Invitae Variant Classification Sherloc (09022015). Collection method: clinical testing. Allele origin: germline.
Comment: In summary, the available evidence is currently insufficient to determine the role of this variant in disease. Therefore, it has been classified as a Variant of Uncertain Significance. Algorithms developed to predict the effect of sequence changes on RNA splicing suggest that this variant may create or strengthen a splice site. Algorithms developed to predict the effect of missense changes on protein structure and function output the following: SIFT: "Deleterious"; PolyPhen-2: "Possibly Damaging"; Align-GVGD: "Class C0". The serine amino acid residue is found in multiple mammalian species, which suggests that this missense change does not adversely affect protein function. ClinVar contains an entry for this variant (Variation ID: 1478817). This variant has not been reported in the literature in individuals affected with DNAH9-related conditions. This variant is present in population databases (rs772352224, gnomAD 0.02%). This sequence change replaces asparagine, which is neutral and polar, with serine, which is neutral and polar, at codon 4025 of the DNAH9 protein (p.Asn4025Ser).